The following is an entry in ClinVar:

NM_013254.4(TBK1):c.851T>A (p.Ile284Asn)

Gene: TBK1 (TANK binding kinase 1; plus strand). Cytogenetic location: 12q14.2.
Variant type: single nucleotide variant.
Coding change: c.851T>A on transcript NM_013254.4 (MANE Select); coding-DNA position 851, T replaced by A.
Protein change: p.Ile284Asn; replaces isoleucine 284 with asparagine.
Molecular consequence: missense variant.
Genome position (GRCh38, 1-based): chr12:64,481,880, T>A. VCF-style: chr12-64481880-T-A. GRCh37 (hg19) VCF-style: chr12-64875660-T-A.
Other names: short protein forms I284N.
Identifiers: ClinVar variation 1317044 (VCV001317044.2), dbSNP rs2136075987, ClinGen allele CA385599081.

ClinVar aggregate classification (germline): Uncertain significance (1 of 4 stars; one submission).

Submission:

GeneDx
Classification: Uncertain significance. Last evaluated: 2019-03-21. Review status: criteria provided, single submitter. Criteria: GeneDx Variant Classification Process June 2021. Collection method: clinical testing. Allele origin: germline. Affected: yes.
Comment: Not observed in large population cohorts (Lek et al., 2016); In silico analysis, which includes protein predictors and evolutionary conservation, supports a deleterious effect; Has not been previously published as pathogenic or benign to our knowledge